The following is an entry in ClinVar:

NM_000486.6(AQP2):c.277C>T (p.Gln93Ter)

Gene: AQP2 (aquaporin 2; plus strand). Cytogenetic location: 12q13.12.
Variant type: single nucleotide variant.
Coding change: c.277C>T on transcript NM_000486.6 (MANE Select); coding-DNA position 277, C replaced by T.
Protein change: p.Gln93Ter; replaces glutamine 93 with a stop codon.
Molecular consequence: nonsense.
Genome position (GRCh38, 1-based): chr12:49,951,107, C>T. VCF-style: chr12-49951107-C-T. GRCh37 (hg19) VCF-style: chr12-50344890-C-T.
Other names: short protein forms Q93*.
Identifiers: ClinVar variation 446861 (VCV000446861.19), dbSNP rs770810694, ClinGen allele CA6559188.

ClinVar aggregate classification (germline): Pathogenic/Likely pathogenic. Review status: criteria provided, multiple submitters, no conflicts (2 of 4 stars). 5 submissions from 5 submitters: Pathogenic (4); Likely pathogenic (1). Last evaluated 2026-02-02.

Conditions:
Nephrogenic diabetes insipidus. Identifiers: Orphanet 223, MedGen C0162283, MONDO:0016383, HP:0009806.
Diabetes insipidus, nephrogenic, autosomal (NDI2). Also called: Diabetes insipidus, nephrogenic, 2, autosomal; Nephrogenic Diabetes Insipidus, Type II. Identifiers: Orphanet 223, MedGen C1563706, MONDO:0007451, OMIM 125800.

Allele frequency attached by ClinVar (database versions not stated): gnomAD exomes 0.00002 and 0.00005; gnomAD 0.00003; ExAC 0.00004; TOPMed 0.00004.

Submissions (5):

GeneDx
Classification: Pathogenic. Last evaluated: 2026-02-02. Review status: criteria provided, single submitter. Criteria: GeneDx Variant Classification Process June 2021. Collection method: clinical testing. Allele origin: germline. Affected: yes.
Comment: Identified with a second AQP2 variant in a patient with features consistent with nephrogenic diabetes insipidus in published literature (PMID: 31348762); Nonsense variant predicted to result in protein truncation or nonsense mediated decay in a gene for which loss of function is a known mechanism of disease; This variant is associated with the following publications: (PMID: 31348762)

Labcorp Genetics (formerly Invitae), Labcorp
Classification: Pathogenic. Last evaluated: 2025-12-30. Review status: criteria provided, single submitter. Criteria: Invitae Variant Classification Sherloc (09022015). Collection method: clinical testing. Allele origin: germline.
Comment: This sequence change creates a premature translational stop signal (p.Gln93*) in the AQP2 gene. It is expected to result in an absent or disrupted protein product. Loss-of-function variants in AQP2 are known to be pathogenic (PMID: 9024277, 27156763). This variant is present in population databases (rs770810694, gnomAD 0.04%). This premature translational stop signal has been observed in individual(s) with nephrogenic diabetes insipidus (PMID: 31348762). ClinVar contains an entry for this variant (Variation ID: 446861). For these reasons, this variant has been classified as Pathogenic.

Natera, Inc.
Classification: Likely pathogenic for Nephrogenic diabetes insipidus. Last evaluated: 2025-06-05. Review status: criteria provided, single submitter. Criteria: Natera Variant Classification Schema (03/2026). Collection method: clinical testing. Allele origin: germline.
Comment: The c.277C>T variant in AQP2 is a nonsense variant predicted to introduce a stop codon at amino acid 93. This variant is expected to result in nonsense mediated decay, truncation, or a dysfunctional protein product. This variant is rare in the general population with a frequency below the threshold expected for the associated phenotype(s). Given the available evidence, this variant is classified as Likely Pathogenic.

Fulgent Genetics
Classification: Pathogenic for Diabetes insipidus, nephrogenic, autosomal. Last evaluated: 2024-06-14. Review status: criteria provided, single submitter. Criteria: ACMG Guidelines, 2015. Collection method: clinical testing. Allele origin: germline.

Athena Diagnostics
Classification: Pathogenic. Last evaluated: 2016-11-01. Review status: criteria provided, single submitter. Criteria: Athena Diagnostics Criteria. Collection method: clinical testing. Allele origin: germline.

Literature cited by the submitters: PubMed 9024277 (cited by Labcorp Genetics (formerly Invitae), Labcorp); PubMed 27156763 (cited by Labcorp Genetics (formerly Invitae), Labcorp); PubMed 31348762 (cited by Labcorp Genetics (formerly Invitae), Labcorp).